The following is an entry in ClinVar:

ClinVar aggregate classification (germline): Uncertain significance (1 of 4 stars; one submission).

Conditions:
Hereditary pheochromocytoma and paraganglioma. Also called: Hereditary pheochromocytoma-paraganglioma; Hereditary Paraganglioma-Pheochromocytoma Syndromes; Hereditary paragangliomas and pheochromocytomas. Identifiers: Orphanet 29072, MedGen C4274332, MONDO:0017366.

Submission:

Labcorp Genetics (formerly Invitae), Labcorp
Classification: Uncertain significance for Hereditary pheochromocytoma and paraganglioma. Last evaluated: 2025-12-22. Review status: criteria provided, single submitter. Criteria: Invitae Variant Classification Sherloc (09022015). Collection method: clinical testing. Allele origin: germline.
Comment: This sequence change replaces serine, which is neutral and polar, with proline, which is neutral and non-polar, at codon 4 of the SDHAF2 protein (p.Ser4Pro). This variant is not present in population databases (gnomAD no frequency). This variant has not been reported in the literature in individuals affected with SDHAF2-related conditions. An algorithm developed to predict the effect of missense changes on protein structure and function outputs the following: PolyPhen-2: "Benign". The proline amino acid residue is found in multiple mammalian species, which suggests that this missense change does not adversely affect protein function. In summary, the available evidence is currently insufficient to determine the role of this variant in disease. Therefore, it has been classified as a Variant of Uncertain Significance.

NM_017841.4(SDHAF2):c.10T>C (p.Ser4Pro)

Gene: SDHAF2 (succinate dehydrogenase complex assembly factor 2; plus strand). Cytogenetic location: 11q12.2.
Variant type: single nucleotide variant.
Coding change: c.10T>C on transcript NM_017841.4 (MANE Select); coding-DNA position 10, T replaced by C.
Protein change: p.Ser4Pro; replaces serine 4 with proline.
Molecular consequence: missense variant.
Genome position (GRCh38, 1-based): chr11:61,430,156, T>C. VCF-style: chr11-61430156-T-C. GRCh37 (hg19) VCF-style: chr11-61197628-T-C.
Other names: short protein forms S4P.
Identifiers: ClinVar variation 4706385 (VCV004706385.1).